The following is an entry in ClinVar:

NM_001194.4(HCN2):c.1989C>T (p.Ile663=)

Gene: HCN2 (hyperpolarization activated cyclic nucleotide gated potassium and sodium channel 2; plus strand). Cytogenetic location: 19p13.3.
Variant type: single nucleotide variant.
Coding change: c.1989C>T on transcript NM_001194.4 (MANE Select); coding-DNA position 1989, C replaced by T.
Protein change: p.Ile663=; no amino-acid change (isoleucine 663 retained).
Molecular consequence: synonymous variant.
Genome position (GRCh38, 1-based): chr19:614,015, C>T. VCF-style: chr19-614015-C-T. GRCh37 (hg19) VCF-style: chr19-614015-C-T.
Identifiers: ClinVar variation 3039468 (VCV003039468.3), dbSNP rs147575578, ClinGen allele CA9018731.

ClinVar aggregate classification (germline): Likely benign. Review status: criteria provided, single submitter (1 of 4 stars). 2 submissions from 2 submitters: Likely benign (1). 1 of the submissions does not count toward it. Last evaluated 2024-11-27.

Conditions:
HCN2-related disorder. Also called: HCN2-related condition.

Submissions (2):

Blueprint Genetics
Classification: Likely benign. Last evaluated: 2024-11-27. Review status: criteria provided, single submitter. Criteria: ACMG Guidelines, 2015. Collection method: clinical testing. Allele origin: germline.

PreventionGenetics, part of Exact Sciences
Classification: Likely benign for HCN2-related condition. Last evaluated: 2019-05-23. Review status: no assertion criteria provided. Collection method: clinical testing. Allele origin: germline. Not counted in ClinVar's aggregate classification.
Comment: This variant is classified as likely benign based on ACMG/AMP sequence variant interpretation guidelines (Richards et al. 2015 PMID: 25741868, with internal and published modifications).